The following is an entry in ClinVar:

ClinVar aggregate classification (germline): Uncertain significance (1 of 4 stars; one submission).

gnomAD v4.1: 1 of 1,613,214 alleles (0.000062%); highest among the groups gnomAD compares: Admixed American, 0.0017%; no homozygotes.

Submission:

Labcorp Genetics (formerly Invitae), Labcorp
Classification: Uncertain significance. Last evaluated: 2025-12-22. Review status: criteria provided, single submitter. Criteria: Invitae Variant Classification Sherloc (09022015). Collection method: clinical testing. Allele origin: germline.
Comment: This sequence change replaces histidine, which is basic and polar, with glutamine, which is neutral and polar, at codon 80 of the TELO2 protein (p.His80Gln). This variant is present in population databases (no rsID available, gnomAD 0.003%). This variant has not been reported in the literature in individuals affected with TELO2-related conditions. Invitae Evidence Modeling of protein sequence and biophysical properties (such as structural, functional, and spatial information, amino acid conservation, physicochemical variation, residue mobility, and thermodynamic stability) indicates that this missense variant is not expected to disrupt TELO2 protein function with a negative predictive value of 95%. In summary, the available evidence is currently insufficient to determine the role of this variant in disease. Therefore, it has been classified as a Variant of Uncertain Significance.

NM_016111.4(TELO2):c.240T>G (p.His80Gln)

Gene: TELO2 (telomere maintenance 2; plus strand). Cytogenetic location: 16p13.3.
Variant type: single nucleotide variant.
Coding change: c.240T>G on transcript NM_016111.4 (MANE Select); coding-DNA position 240, T replaced by G.
Protein change: p.His80Gln; replaces histidine 80 with glutamine.
Molecular consequence: missense variant.
Genome position (GRCh38, 1-based): chr16:1,494,521, T>G. VCF-style: chr16-1494521-T-G. GRCh37 (hg19) VCF-style: chr16-1544522-T-G.
Other names: c.240T>G, p.His80Gln (NM_001351846.2); short protein forms H80Q.
Identifiers: ClinVar variation 4697854 (VCV004697854.1).